The following is an entry in ClinVar:

ClinVar aggregate classification (germline): Likely pathogenic. Review status: criteria provided, multiple submitters, no conflicts (2 of 4 stars). 4 submissions from 4 submitters: Likely pathogenic (3). 1 of the submissions does not count toward it. Last evaluated 2025-06-10.

Conditions:
Gastric cancer. Also called: Malignant tumor of stomach; Stomach cancer. Identifiers: MedGen C0024623, MeSH D013274, MONDO:0001056, OMIM 613659, HP:0012126.
Breast-ovarian cancer, familial, susceptibility to, 3. Also called: RAD51C-Related Breast/Ovarian Cancer. Identifiers: Orphanet 145, MedGen C3150659, MONDO:0013253, OMIM 613399.
Hereditary cancer-predisposing syndrome. Also called: Neoplastic Syndromes, Hereditary; Hereditary neoplastic syndrome; Hereditary Cancer Syndrome; Tumor predisposition. Identifiers: Orphanet 140162, MedGen C0027672, MeSH D009386, MONDO:0015356.

Submissions (4):

Ambry Genetics
Classification: Likely pathogenic for Hereditary cancer-predisposing syndrome. Last evaluated: 2025-06-10. Review status: criteria provided, single submitter. Criteria: Ambry Variant Classification Scheme 2023. Collection method: clinical testing. Allele origin: germline.
Comment: The c.965+1delG intronic variant, located in intron 7 of the RAD51C gene, results from a deletion of one nucleotide within intron 7 of the RAD51C gene. This nucleotide position is highly conserved in available vertebrate species. In silico splice site analysis predicts that this alteration will weaken the native splice donor site; however, direct evidence is insufficient at this time (Ambry internal data). Alterations that disrupt the canonical splice site are expected to cause aberrant splicing, resulting in an abnormal protein or a transcript that is subject to nonsense-mediated mRNA decay. As such, this alteration is classified as likely pathogenic.

Myriad Genetics, Inc.
Classification: Likely pathogenic for Breast-ovarian cancer, familial, susceptibility to, 3. Last evaluated: 2024-01-03. Review status: criteria provided, single submitter. Criteria: Myriad Autosomal Dominant, Autosomal Recessive and X-Linked Classification Criteria (2023). Collection method: clinical testing. Allele origin: unknown.
Comment: This variant is considered likely pathogenic. This variant occurs within a consensus splice junction and is predicted to result in abnormal mRNA splicing of either an out-of-frame exon or an in-frame exon necessary for protein stability and/or normal function.

Baylor Genetics
Classification: Likely pathogenic for Breast-ovarian cancer, familial, susceptibility to, 3. Last evaluated: 2021-09-03. Review status: criteria provided, single submitter. Criteria: ACMG Guidelines, 2015. Collection method: clinical testing. Allele origin: unknown.

Laboratory for Genotyping Development, RIKEN
Classification: Pathogenic for Gastric cancer. Last evaluated: 2021-07-01. Review status: no assertion criteria provided. Collection method: research. Allele origin: germline. Not counted in ClinVar's aggregate classification.

Literature cited by the submitters: PubMed 36988593 (cited by Laboratory for Genotyping Development, RIKEN).

NM_058216.3(RAD51C):c.965+1del

Gene: RAD51C (RAD51 paralog C; plus strand). Cytogenetic location: 17q22.
Variant type: Deletion.
Coding change: c.965+1del on transcript NM_058216.3 (MANE Select); the canonical splice donor site of the intron after coding-DNA position 965, one base deleted (G; older notation c.965+1delG).
Molecular consequence: splice donor variant.
Genome position (GRCh38, 1-based): chr17:58,724,101, G deleted; the last of 2 consecutive G bases (chr17:58,724,100-58,724,101); deleting either gives the same sequence. VCF-style (leftmost placement, unchanged base first): chr17-58724099-AG-A. GRCh37 (hg19) VCF-style: chr17-56801460-AG-A.
Other names: c.965+1delG (NM_058216.1); c.965del (NM_058216.3).
Identifiers: ClinVar variation 1801656 (VCV001801656.4), dbSNP rs2509344663, ClinGen allele CA2580094306.